The following is an entry in ClinVar:

NM_001036.6(RYR3):c.9788A>T (p.Tyr3263Phe)

Gene: RYR3 (ryanodine receptor 3; plus strand). Cytogenetic location: 15q14.
Variant type: single nucleotide variant.
Coding change: c.9788A>T on transcript NM_001036.6 (MANE Select); coding-DNA position 9788, A replaced by T.
Protein change: p.Tyr3263Phe; replaces tyrosine 3263 with phenylalanine.
Molecular consequence: missense variant.
Genome position (GRCh38, 1-based): chr15:33,788,416, A>T. VCF-style: chr15-33788416-A-T. GRCh37 (hg19) VCF-style: chr15-34080617-A-T.
Other names: c.9788A>T, p.Tyr3263Phe (NM_001243996.4); short protein forms Y3263F.
Identifiers: ClinVar variation 531057 (VCV000531057.8), dbSNP rs1299339478, ClinGen allele CA391591978.

ClinVar aggregate classification (germline): Uncertain significance (1 of 4 stars; one submission).

Conditions:
Epileptic encephalopathy. Identifiers: MedGen C0543888, HP:0200134.

Submission:

Labcorp Genetics (formerly Invitae), Labcorp
Classification: Uncertain significance for Epileptic encephalopathy. Last evaluated: 2017-09-27. Review status: criteria provided, single submitter. Criteria: Invitae Variant Classification Sherloc (09022015). Collection method: clinical testing. Allele origin: germline.
Comment: In summary, the available evidence is currently insufficient to determine the role of this variant in disease. Therefore, it has been classified as a Variant of Uncertain Significance. This sequence change replaces tyrosine with phenylalanine at codon 3263 of the RYR3 protein (p.Tyr3263Phe). The tyrosine residue is highly conserved and there is a small physicochemical difference between tyrosine and phenylalanine. This variant is not present in population databases (ExAC no frequency). This variant has not been reported in the literature in individuals with RYR3-related disease. Algorithms developed to predict the effect of missense changes on protein structure and function do not agree on the potential impact of this missense change (SIFT: "Deleterious"; PolyPhen-2: "Probably Damaging"; Align-GVGD: "Class C0").